The following is an entry in ClinVar:

NM_014264.5(PLK4):c.337G>A (p.Ala113Thr)

Gene: PLK4 (polo like kinase 4; plus strand). Cytogenetic location: 4q28.1.
Variant type: single nucleotide variant.
Coding change: c.337G>A on transcript NM_014264.5 (MANE Select); coding-DNA position 337, G replaced by A.
Protein change: p.Ala113Thr; replaces alanine 113 with threonine.
Molecular consequence: missense variant.
Genome position (GRCh38, 1-based): chr4:127,883,553, G>A. VCF-style: chr4-127883553-G-A. GRCh37 (hg19) VCF-style: chr4-128804708-G-A.
Other names: c.241G>A, p.Ala81Thr (NM_001190799.2); c.214G>A, p.Ala72Thr (NM_001190801.2); short protein forms A113T, A81T, A72T.
Identifiers: ClinVar variation 2080762 (VCV002080762.4), dbSNP rs2546009498, ClinGen allele CA358167785.

ClinVar aggregate classification (germline): Uncertain significance (1 of 4 stars; one submission).

Submission:

Labcorp Genetics (formerly Invitae), Labcorp
Classification: Uncertain significance. Last evaluated: 2022-05-17. Review status: criteria provided, single submitter. Criteria: Invitae Variant Classification Sherloc (09022015). Collection method: clinical testing. Allele origin: germline.
Comment: In summary, the available evidence is currently insufficient to determine the role of this variant in disease. Therefore, it has been classified as a Variant of Uncertain Significance. Variants that disrupt the consensus splice site are a relatively common cause of aberrant splicing (PMID: 17576681, 9536098). Algorithms developed to predict the effect of sequence changes on RNA splicing suggest that this variant may disrupt the consensus splice site. Algorithms developed to predict the effect of missense changes on protein structure and function are either unavailable or do not agree on the potential impact of this missense change (SIFT: "Deleterious"; PolyPhen-2: "Benign"; Align-GVGD: "Class C0"). This variant has not been reported in the literature in individuals affected with PLK4-related conditions. This variant is not present in population databases (gnomAD no frequency). This sequence change replaces alanine, which is neutral and non-polar, with threonine, which is neutral and polar, at codon 113 of the PLK4 protein (p.Ala113Thr). This variant also falls at the last nucleotide of exon 4, which is part of the consensus splice site for this exon.

Literature cited by the submitters: PubMed 17576681; PubMed 9536098.